The following is an entry in ClinVar:

ClinVar aggregate classification (germline): Pathogenic/Likely pathogenic. Review status: criteria provided, multiple submitters, no conflicts (2 of 4 stars). 2 submissions from 2 submitters: Pathogenic (1); Likely pathogenic (1). Last evaluated 2024-09-26.

Conditions:
Inborn genetic diseases. Identifiers: MedGen C0950123, MeSH D030342.

gnomAD v4.1: 4 of 1,614,198 alleles (0.00025%); highest among the groups gnomAD compares: South Asian, 0.0011%; no homozygotes.

Submissions (2):

GeneDx
Classification: Likely pathogenic. Last evaluated: 2024-09-26. Review status: criteria provided, single submitter. Criteria: GeneDx Variant Classification Process June 2021. Collection method: clinical testing. Allele origin: germline. Affected: yes.
Comment: Nonsense variant predicted to result in protein truncation or nonsense mediated decay in a gene for which loss of function is a known mechanism of disease; Not observed at significant frequency in large population cohorts (gnomAD); Has not been previously published as pathogenic or benign to our knowledge

Ambry Genetics
Classification: Pathogenic for Inborn genetic diseases. Last evaluated: 2024-08-30. Review status: criteria provided, single submitter. Criteria: Ambry Variant Classification Scheme 2023. Collection method: clinical testing. Allele origin: germline.
Comment: The c.790C>T (p.R264*) alteration, located in exon 8 (coding exon 7) of the TMEM94 gene, consists of a C to T substitution at nucleotide position 790. This changes the amino acid from an arginine (R) to a stop codon at amino acid position 264. This alteration is expected to result in loss of function by premature protein truncation or nonsense-mediated mRNA decay. Based on data from gnomAD, the T allele has an overall frequency of <0.001% (1/251370) total alleles studied. The highest observed frequency was 0.001% (1/113674) of European (non-Finnish) alleles. Based on the available evidence, this alteration is classified as pathogenic.

NM_014738.6(TMEM94):c.790C>T (p.Arg264Ter)

Gene: TMEM94 (transmembrane protein 94; plus strand). Cytogenetic location: 17q25.1.
Variant type: single nucleotide variant.
Coding change: c.790C>T on transcript NM_014738.6 (MANE Select); coding-DNA position 790, C replaced by T.
Protein change: p.Arg264Ter; replaces arginine 264 with a stop codon.
Molecular consequence: nonsense.
Genome position (GRCh38, 1-based): chr17:75,489,291, C>T. VCF-style: chr17-75489291-C-T. GRCh37 (hg19) VCF-style: chr17-73485372-C-T.
Other names: c.820C>T, p.Arg274Ter (NM_001321148.2, NM_001351203.2); c.790C>T, p.Arg264Ter (NM_001321149.2, NM_001351202.2); c.790C>T (NM_014738.5); short protein forms R264*, R274*.
Identifiers: ClinVar variation 3458655 (VCV003458655.2).